The following is an entry in ClinVar:

NM_024596.5(MCPH1):c.859A>C (p.Ser287Arg)

Gene: MCPH1 (microcephalin 1; plus strand). Cytogenetic location: 8p23.1.
Variant type: single nucleotide variant.
Coding change: c.859A>C on transcript NM_024596.5 (MANE Select); coding-DNA position 859, A replaced by C.
Protein change: p.Ser287Arg; replaces serine 287 with arginine.
Molecular consequence: missense variant. On other transcripts: non-coding transcript variant (1).
Genome position (GRCh38, 1-based): chr8:6,444,581, A>C. VCF-style: chr8-6444581-A-C. GRCh37 (hg19) VCF-style: chr8-6302102-A-C.
Other names: c.859A>C, p.Ser287Arg (NM_001172574.2, NM_001322042.2, NM_001363979.1 and 1 more transcripts); c.715A>C, p.Ser239Arg (NM_001172575.2); c.853A>C, p.Ser285Arg (NM_001322043.2); c.757A>C, p.Ser253Arg (NM_001322045.2); short protein forms S287R, S253R, S285R, S239R.
Identifiers: ClinVar variation 596570 (VCV000596570.7), dbSNP rs149813931, ClinGen allele CA4610395.

ClinVar aggregate classification (germline): Uncertain significance. Review status: criteria provided, multiple submitters, no conflicts (2 of 4 stars). 3 submissions from 3 submitters: Uncertain significance (3). Last evaluated 2022-05-27.

Allele frequency attached by ClinVar (database versions not stated): ESP Exome Variant Server 0.00017; 1000 Genomes Project 30x 0.00062; ExAC 0.00007; 1000 Genomes Project 0.00080; gnomAD exomes 0.00005; TOPMed 0.00020.
gnomAD v4.1: 68 of 1,614,224 alleles (0.0042%); highest among the groups gnomAD compares: African/African-American, 0.079%; no homozygotes.

Submissions (3):

Labcorp Genetics (formerly Invitae), Labcorp
Classification: Uncertain significance. Last evaluated: 2022-05-27. Review status: criteria provided, single submitter. Criteria: Invitae Variant Classification Sherloc (09022015). Collection method: clinical testing. Allele origin: germline.
Comment: This sequence change replaces serine, which is neutral and polar, with arginine, which is basic and polar, at codon 287 of the MCPH1 protein (p.Ser287Arg). This variant is present in population databases (rs149813931, gnomAD 0.1%). This missense change has been observed in individual(s) with clinical features of MCPH1-related conditions (PMID: 20949544). ClinVar contains an entry for this variant (Variation ID: 596570). Algorithms developed to predict the effect of missense changes on protein structure and function are either unavailable or do not agree on the potential impact of this missense change (SIFT: "Not Available"; PolyPhen-2: "Probably Damaging"; Align-GVGD: "Not Available"). In summary, the available evidence is currently insufficient to determine the role of this variant in disease. Therefore, it has been classified as a Variant of Uncertain Significance.

GeneDx
Classification: Uncertain significance. Last evaluated: 2022-05-21. Review status: criteria provided, single submitter. Criteria: GeneDx Variant Classification Process June 2021. Collection method: clinical testing. Allele origin: germline. Affected: yes.
Comment: In silico analysis supports that this missense variant does not alter protein structure/function; This variant is associated with the following publications: (PMID: 20949544, Granese2011[Thesis])

Eurofins Ntd Llc (ga)
Classification: Uncertain significance. Last evaluated: 2018-04-05. Review status: criteria provided, single submitter. Criteria: EGL ClinVar v180209 classification definitions. Collection method: clinical testing. Allele origin: germline. Observed: 1 variant allele, 1 heterozygote.

Literature cited by the submitters: PubMed 20949544 (cited by Labcorp Genetics (formerly Invitae), Labcorp).